The following is an entry in ClinVar:

NM_000155.4(GALT):c.688G>T (p.Glu230Ter)

Gene: GALT (galactose-1-phosphate uridylyltransferase; plus strand). Cytogenetic location: 9p13.3.
Variant type: single nucleotide variant.
Coding change: c.688G>T on transcript NM_000155.4 (MANE Select); coding-DNA position 688, G replaced by T.
Protein change: p.Glu230Ter; replaces glutamic acid 230 with a stop codon.
Molecular consequence: nonsense.
Genome position (GRCh38, 1-based): chr9:34,648,762, G>T. VCF-style: chr9-34648762-G-T. GRCh37 (hg19) VCF-style: chr9-34648759-G-T.
Other names: c.361G>T, p.Glu121Ter (NM_001258332.2); short protein forms E121*, E230*.
Identifiers: ClinVar variation 4817640 (VCV004817640.1).

ClinVar aggregate classification (germline): Likely pathogenic (1 of 4 stars; one submission).

Conditions:
Galactosemia. Also called: Galactose intolerance. Identifiers: Orphanet 352, MedGen C0016952, MONDO:0018116, HP:0004919. Disease mechanism: loss of function.

Submission:

Natera, Inc.
Classification: Likely pathogenic for Galactosemia. Last evaluated: 2024-11-25. Review status: criteria provided, single submitter. Criteria: Natera Variant Classification Schema (03/2026). Collection method: clinical testing. Allele origin: germline.
Comment: The c.688G>T variant in GALT is a nonsense variant predicted to introduce a stop codon at amino acid 230. This variant is expected to result in nonsense mediated decay, truncation, or a dysfunctional protein product. This variant is rare in the general population with a frequency below the threshold expected for the associated phenotype(s). Given the available evidence, this variant is classified as Likely Pathogenic.